The following is an entry in ClinVar:

NM_181332.3(NLGN4X):c.1880G>A (p.Arg627Gln)

Gene: NLGN4X (neuroligin 4 X-linked; minus strand). Cytogenetic location: Xp22.32.
Variant type: single nucleotide variant.
Coding change: c.1880G>A on transcript NM_181332.3 (MANE Select); coding-DNA position 1880, G replaced by A.
Protein change: p.Arg627Gln; replaces arginine 627 with glutamine.
Molecular consequence: missense variant.
Genome position (GRCh38, 1-based): chrX:5,893,388, C>T on the plus strand (G>A on the coding strand, the complement: NLGN4X is on the minus strand). VCF-style: chrX-5893388-C-T. GRCh37 (hg19) VCF-style: chrX-5811429-C-T.
Other names: c.1880G>A, p.Arg627Gln (NM_001282145.2, NM_001282146.2, NM_020742.4); short protein forms R627Q.
Identifiers: ClinVar variation 589315 (VCV000589315.5), dbSNP rs1569110556, ClinGen allele CA412013479.

ClinVar aggregate classification (germline): Uncertain significance (1 of 4 stars; one submission).

Conditions:
Inborn genetic diseases. Identifiers: MedGen C0950123, MeSH D030342.

Allele frequency attached by ClinVar (database versions not stated): TOPMed below 0.00001.

Submission:

Ambry Genetics
Classification: Uncertain significance for Inborn genetic diseases. Last evaluated: 2016-07-01. Review status: criteria provided, single submitter. Criteria: Ambry Variant Classification Scheme 2023. Collection method: clinical testing. Allele origin: germline.
Comment: The p.R627Q variant (also known as c.1880G>A), located in coding exon 5 of the NLGN4X gene, results from a G to A substitution at nucleotide position 1880. The arginine at codon 627 is replaced by glutamine, an amino acid with highly similar properties. This variant was not reported in population based cohorts in the following databases: Database of Single Nucleotide Polymorphisms (dbSNP), NHLBI Exome Sequencing Project (ESP), and 1000 Genomes Project. In the ESP, this variant was not observed in 6482 samples with coverage at this position. This amino acid position is highly conserved in available vertebrate species. In addition, the in silico prediction for this alteration is inconclusive. Since supporting evidence is limited at this time, the clinical significance of this variant remains unclear.